The following is an entry in ClinVar:

NM_000268.4(NF2):c.815C>A (p.Thr272Asn)

Gene: NF2 (NF2, moesin-ezrin-radixin like (MERLIN) tumor suppressor; plus strand). Cytogenetic location: 22q12.2.
Variant type: single nucleotide variant.
Coding change: c.815C>A on transcript NM_000268.4 (MANE Select); coding-DNA position 815, C replaced by A.
Protein change: p.Thr272Asn; replaces threonine 272 with asparagine.
Molecular consequence: missense variant. On other transcripts: non-coding transcript variant (1), intron variant (1).
Genome position (GRCh38, 1-based): chr22:29,664,994, C>A. VCF-style: chr22-29664994-C-A. GRCh37 (hg19) VCF-style: chr22-30060983-C-A.
Other names: c.701C>A, p.Thr234Asn (NM_001407053.1, NM_001407056.1); c.692C>A, p.Thr231Asn (NM_001407054.1, NM_001407058.1, NM_181829.3); c.689C>A, p.Thr230Asn (NM_001407055.1, NM_181828.3); c.680C>A, p.Thr227Asn (NM_001407057.1, NM_001407059.1); c.815C>A, p.Thr272Asn (NM_001407060.1, NM_001407066.1, NM_016418.5 and 2 more transcripts); c.557C>A, p.Thr186Asn (NM_001407062.1); c.566C>A, p.Thr189Asn (NM_001407063.1, NM_001407064.1, NM_181830.3 and 1 more transcripts); c.281C>A, p.Thr94Asn (NM_001407065.1); and 2 more; short protein forms T186N, T189N, T195N, T227N, T230N, T231N, T234N, T272N.
Identifiers: ClinVar variation 3231110 (VCV003231110.1), dbSNP rs1555997534, ClinGen allele CA411144533.

ClinVar aggregate classification (germline): Uncertain significance (1 of 4 stars; one submission).

Conditions:
Hereditary cancer-predisposing syndrome. Also called: Neoplastic Syndromes, Hereditary; Tumor predisposition; Hereditary neoplastic syndrome; Hereditary Cancer Syndrome. Identifiers: Orphanet 140162, MedGen C0027672, MeSH D009386, MONDO:0015356.

Submission:

Ambry Genetics
Classification: Uncertain significance for Hereditary cancer-predisposing syndrome. Last evaluated: 2023-12-19. Review status: criteria provided, single submitter. Criteria: Ambry Variant Classification Scheme 2023. Collection method: clinical testing. Allele origin: germline.
Comment: The p.T272N variant (also known as c.815C>A), located in coding exon 9 of the NF2 gene, results from a C to A substitution at nucleotide position 815. The threonine at codon 272 is replaced by asparagine, an amino acid with similar properties. This amino acid position is conserved. In addition, the in silico prediction for this alteration is inconclusive. Since supporting evidence is limited at this time, the clinical significance of this alteration remains unclear.